The following is an entry in ClinVar:

ClinVar aggregate classification (germline): Conflicting classifications of pathogenicity. Review status: criteria provided, conflicting classifications (1 of 4 stars). 2 submissions from 2 submitters: Uncertain significance (1); Likely benign (1). Last evaluated 2023-11-22.

Conditions:
Inborn genetic diseases. Identifiers: MedGen C0950123, MeSH D030342.

Allele frequency attached by ClinVar (database versions not stated): gnomAD exomes 0.00001; gnomAD 0.00006; 1000 Genomes Project 30x 0.00016; ExAC 0.00001; TOPMed 0.00001; 1000 Genomes Project 0.00020.
gnomAD v4.1: 16 of 1,613,832 alleles (0.00099%); highest among the groups gnomAD compares: Admixed American, 0.027%; no homozygotes.

Submissions (2):

Labcorp Genetics (formerly Invitae), Labcorp
Classification: Uncertain significance. Last evaluated: 2023-11-22. Review status: criteria provided, single submitter. Criteria: Invitae Variant Classification Sherloc (09022015). Collection method: clinical testing. Allele origin: germline.
Comment: This sequence change replaces aspartic acid, which is acidic and polar, with glutamic acid, which is acidic and polar, at codon 24 of the ERCC3 protein (p.Asp24Glu). This variant is present in population databases (rs531561069, gnomAD 0.009%). This variant has not been reported in the literature in individuals affected with ERCC3-related conditions. ClinVar contains an entry for this variant (Variation ID: 1470591). Algorithms developed to predict the effect of missense changes on protein structure and function output the following: SIFT: "Not Available"; PolyPhen-2: "Benign"; Align-GVGD: "Not Available". The glutamic acid amino acid residue is found in multiple mammalian species, which suggests that this missense change does not adversely affect protein function. In summary, the available evidence is currently insufficient to determine the role of this variant in disease. Therefore, it has been classified as a Variant of Uncertain Significance.

Ambry Genetics
Classification: Likely benign for Inborn genetic diseases. Last evaluated: 2021-12-14. Review status: criteria provided, single submitter. Criteria: Ambry Variant Classification Scheme 2023. Collection method: clinical testing. Allele origin: germline.

NM_000122.2(ERCC3):c.72T>G (p.Asp24Glu)

Gene: ERCC3 (ERCC excision repair 3, TFIIH core complex helicase subunit; minus strand). Cytogenetic location: 2q14.3.
Variant type: single nucleotide variant.
Coding change: c.72T>G on transcript NM_000122.2 (MANE Select); coding-DNA position 72, T replaced by G.
Protein change: p.Asp24Glu; replaces aspartic acid 24 with glutamic acid.
Molecular consequence: missense variant. On other transcripts: 5 prime UTR variant (2).
Genome position (GRCh38, 1-based): chr2:127,293,675, A>C on the plus strand (T>G on the coding strand, the complement: ERCC3 is on the minus strand). VCF-style: chr2-127293675-A-C. GRCh37 (hg19) VCF-style: chr2-128051251-A-C.
Other names: c.72T>G (NM_000122.1); c.-121T>G (NM_001303416.2, NM_001303418.2); short protein forms D24E.
Identifiers: ClinVar variation 1470591 (VCV001470591.5), dbSNP rs531561069, ClinGen allele CA1858630.